The following is an entry in ClinVar:

NC_000009.11:g.(?_34646671)_(34651033_?)dup

Gene: GALT (galactose-1-phosphate uridylyltransferase; plus strand). Cytogenetic location: 9p13.3.
Variant type: Duplication.
Identifiers: ClinVar variation 3907349 (VCV003907349.1).

ClinVar aggregate classification (germline): Uncertain significance (1 of 4 stars; one submission).

Submission:

Women's Health and Genetics/Laboratory Corporation of America, LabCorp
Classification: Uncertain significance. Last evaluated: 2025-06-05. Review status: criteria provided, single submitter. Criteria: LabCorp Variant Classification Summary - May 2015. Collection method: clinical testing. Allele origin: germline.
Comment: Variant summary: The variant involves the duplication of exons 1-11 in the GALT gene. A presumed nomenclature of c.(?_-31)_(*587_?)dup has been designated for the purposes of this classification. This duplication includes the entire coding sequence of the gene. As exact breakpoints are unknown, it may extend beyond the annotated region of the gene, to include other flanking genes. No similar duplications which include the GALT gene in isolation were found in 119948 control chromosomes in the gnomAD database (Structural Variants v4.1 dataset). The available data on variant occurrences in the general population are insufficient to allow any conclusion about variant significance. To our knowledge, no occurrence of c.(?_-31)_(*587_?)dup in individuals affected with Galactosemia and no experimental evidence demonstrating its impact on protein function have been reported. No submitters have cited clinical-significance assessments for this variant to ClinVar. Based on the evidence outlined above, the variant was classified as uncertain significance.